The following is an entry in ClinVar:

NM_001042492.3(NF1):c.4528C>A (p.Leu1510Ile)

Gene: NF1 (neurofibromin 1; plus strand). Cytogenetic location: 17q11.2.
Variant type: single nucleotide variant.
Coding change: c.4528C>A on transcript NM_001042492.3 (MANE Select); coding-DNA position 4528, C replaced by A.
Protein change: p.Leu1510Ile; replaces leucine 1510 with isoleucine.
Molecular consequence: missense variant.
Genome position (GRCh38, 1-based): chr17:31,260,466, C>A. VCF-style: chr17-31260466-C-A. GRCh37 (hg19) VCF-style: chr17-29587484-C-A.
Other names: c.4465C>A, p.Leu1489Ile (NM_000267.4); short protein forms L1510I, L1489I.
Identifiers: ClinVar variation 4119086 (VCV004119086.1).

ClinVar aggregate classification (germline): Uncertain significance (1 of 4 stars; one submission).

Conditions:
Cardiovascular phenotype. Identifiers: MedGen CN230736.
Hereditary cancer-predisposing syndrome. Also called: Hereditary neoplastic syndrome; Neoplastic Syndromes, Hereditary; Tumor predisposition; Hereditary Cancer Syndrome. Identifiers: Orphanet 140162, MedGen C0027672, MeSH D009386, MONDO:0015356.

Submission:

Ambry Genetics
Classification: Uncertain significance for Cardiovascular phenotype; Hereditary cancer-predisposing syndrome. Last evaluated: 2025-07-01. Review status: criteria provided, single submitter. Criteria: Ambry Variant Classification Scheme 2023. Collection method: clinical testing. Allele origin: germline.
Comment: The p.L1489I variant (also known as c.4465C>A), located in coding exon 33 of the NF1 gene, results from a C to A substitution at nucleotide position 4465. The leucine at codon 1489 is replaced by isoleucine, an amino acid with highly similar properties. This amino acid position is conserved. In addition, the in silico prediction for this alteration is inconclusive. Based on the available evidence, the clinical significance of this variant remains unclear.